The following is an entry in ClinVar:

NM_005051.3(QARS1):c.722C>T (p.Pro241Leu)

Gene: QARS1 (glutaminyl-tRNA synthetase 1; minus strand). Cytogenetic location: 3p21.31.
Variant type: single nucleotide variant.
Coding change: c.722C>T on transcript NM_005051.3 (MANE Select); coding-DNA position 722, C replaced by T.
Protein change: p.Pro241Leu; replaces proline 241 with leucine.
Molecular consequence: missense variant. On other transcripts: non-coding transcript variant (1).
Genome position (GRCh38, 1-based): chr3:49,101,687, G>A on the plus strand (C>T on the coding strand, the complement: QARS1 is on the minus strand). VCF-style: chr3-49101687-G-A. GRCh37 (hg19) VCF-style: chr3-49139120-G-A.
Other names: c.689C>T, p.Pro230Leu (NM_001272073.2); short protein forms P241L, P230L.
Identifiers: ClinVar variation 546935 (VCV000546935.47), dbSNP rs1553752233, ClinGen allele CA352714776.

ClinVar aggregate classification (germline): Uncertain significance. Review status: criteria provided, multiple submitters, no conflicts (2 of 4 stars). 2 submissions from 2 submitters: Uncertain significance (2). Last evaluated 2022-04-24.

Conditions:
Diffuse cerebral and cerebellar atrophy - intractable seizures - progressive microcephaly syndrome. Also called: Microcephaly, progressive, with seizures and cerebral and cerebellar atrophy. Identifiers: Orphanet 404437, MedGen C4014239, MONDO:0014335, OMIM 615760.

Submissions (2):

Labcorp Genetics (formerly Invitae), Labcorp
Classification: Uncertain significance for Diffuse cerebral and cerebellar atrophy - intractable seizures - progressive microcephaly syndrome. Last evaluated: 2022-04-24. Review status: criteria provided, single submitter. Criteria: Invitae Variant Classification Sherloc (09022015). Collection method: clinical testing. Allele origin: germline.
Comment: In summary, the available evidence is currently insufficient to determine the role of this variant in disease. Therefore, it has been classified as a Variant of Uncertain Significance. Algorithms developed to predict the effect of missense changes on protein structure and function are either unavailable or do not agree on the potential impact of this missense change (SIFT: "Deleterious"; PolyPhen-2: "Benign"; Align-GVGD: "Class C0"). ClinVar contains an entry for this variant (Variation ID: 546935). This variant has not been reported in the literature in individuals affected with QARS-related conditions. This variant is not present in population databases (gnomAD no frequency). This sequence change replaces proline, which is neutral and non-polar, with leucine, which is neutral and non-polar, at codon 241 of the QARS protein (p.Pro241Leu).

CeGaT Center for Human Genetics Tuebingen
Classification: Uncertain significance. Last evaluated: 2018-02-01. Review status: criteria provided, single submitter. Criteria: CeGaT Center For Human Genetics Tuebingen Variant Classification Criteria Version 2. Collection method: clinical testing. Allele origin: germline. Affected: yes. Observed: 1 variant allele.